The following is an entry in ClinVar:

NM_006767.4(LZTR1):c.1190C>T (p.Ser397Leu)

Gene: LZTR1 (leucine zipper like post translational regulator 1; plus strand). Cytogenetic location: 22q11.21.
Variant type: single nucleotide variant.
Coding change: c.1190C>T on transcript NM_006767.4 (MANE Select); coding-DNA position 1190, C replaced by T.
Protein change: p.Ser397Leu; replaces serine 397 with leucine.
Molecular consequence: missense variant.
Genome position (GRCh38, 1-based): chr22:20,992,834, C>T. VCF-style: chr22-20992834-C-T. GRCh37 (hg19) VCF-style: chr22-21347123-C-T.
Other names: short protein forms S397L.
Identifiers: ClinVar variation 1394166 (VCV001394166.15), dbSNP rs1241079044, ClinGen allele CA410773800.

ClinVar aggregate classification (germline): Conflicting classifications of pathogenicity. Review status: criteria provided, conflicting classifications (1 of 4 stars). 5 submissions from 5 submitters: Uncertain significance (4); Likely benign (1). Last evaluated 2026-01-15.

Conditions:
Noonan syndrome 10 (NS10). Identifiers: Orphanet 648, MedGen C4225280, MONDO:0014693, OMIM 616564.
LZTR1-related schwannomatosis. Also called: Schwannomatosis 2; Schwannomatosis-2, susceptibility to. Identifiers: Orphanet 93921, MedGen C3810283, MONDO:0014299, OMIM 615670.
Noonan syndrome 2 (NS2). Identifiers: Orphanet 648, MedGen C1854469, MONDO:0011531, OMIM 605275.
Hereditary cancer-predisposing syndrome. Also called: Neoplastic Syndromes, Hereditary; Hereditary neoplastic syndrome; Tumor predisposition; Hereditary Cancer Syndrome. Identifiers: Orphanet 140162, MedGen C0027672, MeSH D009386, MONDO:0015356.
Cardiovascular phenotype. Identifiers: MedGen CN230736.

Allele frequency attached by ClinVar (database versions not stated): TOPMed 0.00001.
gnomAD v4.1: 23 of 1,608,904 alleles (0.0014%); highest among the groups gnomAD compares: East Asian, 0.0022%; no homozygotes.

Submissions (5):

Labcorp Genetics (formerly Invitae), Labcorp
Classification: Uncertain significance. Last evaluated: 2026-01-15. Review status: criteria provided, single submitter. Criteria: Invitae Variant Classification Sherloc (09022015). Collection method: clinical testing. Allele origin: germline.
Comment: This sequence change replaces serine, which is neutral and polar, with leucine, which is neutral and non-polar, at codon 397 of the LZTR1 protein (p.Ser397Leu). This variant is present in population databases (no rsID available, gnomAD 0.006%). This variant has not been reported in the literature in individuals affected with LZTR1-related conditions. ClinVar contains an entry for this variant (Variation ID: 1394166). Invitae Evidence Modeling of protein sequence and biophysical properties (such as structural, functional, and spatial information, amino acid conservation, physicochemical variation, residue mobility, and thermodynamic stability) indicates that this missense variant is not expected to disrupt LZTR1 protein function with a negative predictive value of 80%. In summary, the available evidence is currently insufficient to determine the role of this variant in disease. Therefore, it has been classified as a Variant of Uncertain Significance.

Ambry Genetics
Classification: Likely benign for Cardiovascular phenotype; Hereditary cancer-predisposing syndrome. Last evaluated: 2025-08-06. Review status: criteria provided, single submitter. Criteria: Ambry Variant Classification Scheme 2023. Collection method: clinical testing. Allele origin: germline.

GeneDx
Classification: Uncertain significance. Last evaluated: 2024-03-14. Review status: criteria provided, single submitter. Criteria: GeneDx Variant Classification Process June 2021. Collection method: clinical testing. Allele origin: germline. Affected: yes.
Comment: Not observed at significant frequency in large population cohorts (gnomAD); In silico analysis supports that this missense variant has a deleterious effect on protein structure/function; Has not been previously published as pathogenic or benign to our knowledge

Fulgent Genetics
Classification: Uncertain significance for Noonan syndrome 2; LZTR1-related schwannomatosis; Noonan syndrome 10. Last evaluated: 2024-02-28. Review status: criteria provided, single submitter. Criteria: ACMG Guidelines, 2015. Collection method: clinical testing. Allele origin: germline.

Baylor Genetics
Classification: Uncertain significance for LZTR1-related schwannomatosis. Last evaluated: 2023-12-14. Review status: criteria provided, single submitter. Criteria: ACMG Guidelines, 2015. Collection method: clinical testing. Allele origin: unknown.